The following is an entry in ClinVar:

ClinVar aggregate classification (germline): Conflicting classifications of pathogenicity. Review status: criteria provided, conflicting classifications (1 of 4 stars). 7 submissions from 7 submitters: Uncertain significance (1); Likely benign (6). Last evaluated 2026-03-27.

Conditions:
Cardiovascular phenotype. Identifiers: MedGen CN230736.
Autosomal recessive limb-girdle muscular dystrophy type 2J (LGMDR10). Also called: Limb-girdle muscular dystrophy, type 2J; MUSCULAR DYSTROPHY, LIMB-GIRDLE, AUTOSOMAL RECESSIVE 10. Identifiers: Orphanet 140922, MedGen C1837342, MONDO:0012127, OMIM 608807.
Dilated cardiomyopathy 1G (CMD1G). Identifiers: Orphanet 154, MedGen C1858763, MONDO:0011400, OMIM 604145.

Allele frequency attached by ClinVar (database versions not stated): gnomAD exomes 0.00006 and 0.00012; gnomAD 0.00007 and 0.00008; ESP Exome Variant Server 0.00008; TOPMed 0.00009; ExAC 0.00023.
gnomAD v4.1: 95 of 1,609,866 alleles (0.0059%); highest among the groups gnomAD compares: Admixed American, 0.047%; 1 homozygote.

Submissions (7):

Molecular Diagnostic Laboratory for Inherited Cardiovascular Disease, Montreal Heart Institute
Classification: Likely benign. Last evaluated: 2026-03-27. Review status: criteria provided, single submitter. Criteria: ACMG Guidelines, 2015. Collection method: clinical testing. Allele origin: germline. Affected: no.

Labcorp Genetics (formerly Invitae), Labcorp
Classification: Likely benign for Dilated cardiomyopathy 1G; Autosomal recessive limb-girdle muscular dystrophy type 2J. Last evaluated: 2025-11-27. Review status: criteria provided, single submitter. Criteria: Invitae Variant Classification Sherloc (09022015). Collection method: clinical testing. Allele origin: germline.

Revvity Omics, Revvity
Classification: Uncertain significance. Last evaluated: 2023-04-25. Review status: criteria provided, single submitter. Criteria: ACMG Guidelines, 2015. Collection method: clinical testing. Allele origin: germline.

Blueprint Genetics
Classification: Likely benign. Last evaluated: 2023-01-16. Review status: criteria provided, single submitter. Criteria: ACMG Guidelines, 2015. Collection method: clinical testing. Allele origin: germline.

Women's Health and Genetics/Laboratory Corporation of America, LabCorp
Classification: Likely benign. Last evaluated: 2022-06-03. Review status: criteria provided, single submitter. Criteria: LabCorp Variant Classification Summary - May 2015. Collection method: clinical testing. Allele origin: germline.
Comment: Variant summary: TTN c.53272G>A (p.Ala17758Thr) results in a non-conservative amino acid change located in the A-band region of the encoded protein sequence. Four of five in-silico tools predict a benign effect of the variant on protein function. The variant allele was found at a frequency of 0.00012 in 246926 control chromosomes in the gnomAD database, including 1 homozygote. This frequency is not significantly higher than estimated for a pathogenic variant in TTN causing Cardiomyopathy (0.00012 vs 0.00063), allowing no conclusion about variant significance. To our knowledge, no occurrence of c.53272G>A in individuals affected with Dilated Cardiomyopathy/Limb-Girdle Muscular Dystrophy, Type 2J/TTN-related disorders and no experimental evidence demonstrating its impact on protein function have been reported. Two clinical diagnostic laboratories have submitted clinical-significance assessments for this variant to ClinVar after 2014 without evidence for independent evaluation. All laboratories classified the variant as likely benign. Based on the evidence outlined above, the variant was classified as likely benign.

GeneDx
Classification: Likely benign. Last evaluated: 2019-12-11. Review status: criteria provided, single submitter. Criteria: GeneDx Variant Classification Process June 2021. Collection method: clinical testing. Allele origin: germline. Affected: yes.

Ambry Genetics
Classification: Likely benign for Cardiovascular phenotype. Last evaluated: 2019-07-11. Review status: criteria provided, single submitter. Criteria: Ambry Variant Classification Scheme 2023. Collection method: clinical testing. Allele origin: germline.

Literature cited by the submitters: PubMed 28771489 (cited by Ambry Genetics).

NM_001267550.2(TTN):c.60976G>A (p.Ala20326Thr)

Genes: TTN (titin; minus strand), TTN-AS1 (TTN antisense RNA 1; plus strand). Cytogenetic location: 2q31.2.
Variant type: single nucleotide variant.
Coding change: c.60976G>A on transcript NM_001267550.2 (MANE Select); coding-DNA position 60976, G replaced by A.
Protein change: p.Ala20326Thr; replaces alanine 20326 with threonine.
Molecular consequence: missense variant.
Genome position (GRCh38, 1-based): chr2:178,590,749, C>T on the plus strand (G>A on the coding strand, the complement: TTN is on the minus strand). VCF-style: chr2-178590749-C-T. GRCh37 (hg19) VCF-style: chr2-179455476-C-T.
Other names: c.56053G>A, p.Ala18685Thr (NM_001256850.1); c.33781G>A, p.Ala11261Thr (NM_003319.4); c.53272G>A, p.Ala17758Thr (NM_133378.4); c.34156G>A, p.Ala11386Thr (NM_133432.3); c.34357G>A, p.Ala11453Thr (NM_133437.4); short protein forms A18685T, A20326T, A17758T, A11261T, A11386T, A11453T.
Identifiers: ClinVar variation 516826 (VCV000516826.20), dbSNP rs370995867, ClinGen allele CA1992418.